The following is an entry in ClinVar:

NM_006031.6(PCNT):c.4463G>A (p.Arg1488Gln)

Gene: PCNT (pericentrin; plus strand). Cytogenetic location: 21q22.3.
Variant type: single nucleotide variant.
Coding change: c.4463G>A on transcript NM_006031.6 (MANE Select); coding-DNA position 4463, G replaced by A.
Protein change: p.Arg1488Gln; replaces arginine 1488 with glutamine.
Molecular consequence: missense variant.
Genome position (GRCh38, 1-based): chr21:46,398,030, G>A. VCF-style: chr21-46398030-G-A. GRCh37 (hg19) VCF-style: chr21-47817944-G-A.
Other names: c.4109G>A, p.Arg1370Gln (NM_001315529.2); short protein forms R1370Q, R1488Q.
Identifiers: ClinVar variation 3029416 (VCV003029416.2), dbSNP rs764948991, ClinGen allele CA10079652.
Genomic context (GRCh38, chr21:46,398,030, plus strand): 5'-CCAGCCCCGTTGGGGTGGTCCCAACACGCTGCCTCTCCTCCCAGGAGCAGGCAGCCGAGC[G>A]GGAGCACGAGCGCGAGGAGTTCCAGCAGGAGATTCAGAGGCTGGAGGGGCAGCTCCGCCA-3'
Protein context (NP_006022.3, residues 1478-1498): RQFMDEQAAE[Arg1488Gln]EHEREEFQQE

ClinVar aggregate classification (germline): Uncertain significance (0 of 4 stars; one submission).

Conditions:
PCNT-related disorder. Also called: PCNT-related condition.

gnomAD v4.1: 28 of 1,589,976 alleles (0.0018%); highest among the groups gnomAD compares: African/African-American, 0.004%; no homozygotes.

Submission:

PreventionGenetics, part of Exact Sciences
Classification: Uncertain significance for PCNT-related condition. Last evaluated: 2023-12-01. Review status: no assertion criteria provided. Collection method: clinical testing. Allele origin: germline.
Comment: The PCNT c.4463G>A variant is predicted to result in the amino acid substitution p.Arg1488Gln. To our knowledge, this variant has not been reported in the literature. This variant is reported in 0.0080% of alleles in individuals of African descent in gnomAD. At this time, the clinical significance of this variant is uncertain due to the absence of conclusive functional and genetic evidence.